The following is an entry in ClinVar:

ClinVar aggregate classification (germline): Benign/Likely benign. Review status: criteria provided, single submitter (1 of 4 stars). 2 submissions from 1 submitter: Benign (1); Likely benign (1). Last evaluated 2018-01-13.

Conditions:
Cone-rod dystrophy 11 (CORD11). Identifiers: Orphanet 1872, MedGen C1835865, MONDO:0012483, OMIM 610381.
Age related macular degeneration 6. Identifiers: MedGen C3151060, MONDO:0013406, OMIM 613757.

Allele frequency attached by ClinVar (database versions not stated): TOPMed 0.00202; gnomAD 0.00224 and 0.00228; gnomAD exomes 0.00234 and 0.00282; ExAC 0.00474.
gnomAD v4.1: 1,194 of 458,250 alleles (0.26%); highest among the groups gnomAD compares: Non-Finnish European, 0.34%; 6 homozygotes.

Submissions (2):

Illumina Laboratory Services, Illumina
Classification: Likely benign for Age related macular degeneration 6. Last evaluated: 2018-01-13. Review status: criteria provided, single submitter. Criteria: ICSL Variant Classification Criteria 13 December 2019. Collection method: clinical testing. Allele origin: germline.
Comment: This variant was observed in the ICSL laboratory as part of a predisposition screen in an ostensibly healthy population. It had not been previously curated by ICSL or reported in the Human Gene Mutation Database (HGMD: prior to June 1st, 2018), and was therefore a candidate for classification through an automated scoring system. Utilizing variant allele frequency, disease prevalence and penetrance estimates, and inheritance mode, an automated score was calculated to assess if this variant is too frequent to cause the disease. Based on the score and internal cut-off values, a variant classified as likely benign is not then subjected to further curation. The score for this variant resulted in a classification of likely benign for this disease.

Illumina Laboratory Services, Illumina
Classification: Benign for Cone-rod dystrophy 11. Last evaluated: 2018-01-13. Review status: criteria provided, single submitter. Criteria: ICSL Variant Classification Criteria 13 December 2019. Collection method: clinical testing. Allele origin: germline.
Comment: This variant was observed in the ICSL laboratory as part of a predisposition screen in an ostensibly healthy population. It had not been previously curated by ICSL or reported in the Human Gene Mutation Database (HGMD: prior to June 1st, 2018), and was therefore a candidate for classification through an automated scoring system. Utilizing variant allele frequency, disease prevalence and penetrance estimates, and inheritance mode, an automated score was calculated to assess if this variant is too frequent to cause the disease. Based on the score and internal cut-off values, a variant classified as benign is not then subjected to further curation. The score for this variant resulted in a classification of benign for this disease.

NM_001319074.4(RAX2):c.-270C>T

Gene: RAX2 (retina and anterior neural fold homeobox 2; minus strand). Cytogenetic location: 19p13.3.
Variant type: single nucleotide variant.
Coding change: c.-270C>T on transcript NM_001319074.4 (MANE Select); 270 bases upstream of the start codon, C replaced by T.
Molecular consequence: 5 prime UTR variant.
Genome position (GRCh38, 1-based): chr19:3,772,164, G>A on the plus strand (C>T on the coding strand, the complement: RAX2 is on the minus strand). VCF-style: chr19-3772164-G-A. GRCh37 (hg19) VCF-style: chr19-3772162-G-A.
Other names: c.-11C>T (NM_032753.4).
Identifiers: ClinVar variation 328974 (VCV000328974.5), dbSNP rs776666200, ClinGen allele CA9085192.